The following is an entry in ClinVar:

NM_014994.3(MAPKBP1):c.1512C>A (p.Ser504=)

Gene: MAPKBP1 (mitogen-activated protein kinase binding protein 1; plus strand). Cytogenetic location: 15q15.1.
Variant type: single nucleotide variant.
Coding change: c.1512C>A on transcript NM_014994.3 (MANE Select); coding-DNA position 1512, C replaced by A.
Protein change: p.Ser504=; no amino-acid change (serine 504 retained).
Molecular consequence: synonymous variant. On other transcripts: non-coding transcript variant (2).
Genome position (GRCh38, 1-based): chr15:41,816,577, C>A. VCF-style: chr15-41816577-C-A. GRCh37 (hg19) VCF-style: chr15-42108775-C-A.
Other names: c.1530C>A, p.Ser510= (NM_001128608.2); c.1512C>A, p.Ser504= (NM_001265611.2).
Identifiers: ClinVar variation 4994603 (VCV004994603.1).

ClinVar aggregate classification (germline): Likely benign (1 of 4 stars; one submission).

Conditions:
MAPKBP1-related disorder. Also called: MAPKBP1-related condition.

gnomAD v4.1: 5 of 1,613,990 alleles (0.00031%); highest among the groups gnomAD compares: East Asian, 0.011%; no homozygotes.

Submission:

PreventionGenetics, part of Exact Sciences
Classification: Likely benign for MAPKBP1-related condition. Last evaluated: 2026-03-11. Review status: criteria provided, single submitter. Criteria: ACMG Guidelines, 2015. Collection method: clinical testing. Allele origin: germline.
Comment: This variant is classified as likely benign based on ACMG/AMP sequence variant interpretation guidelines (Richards et al. 2015 PMID: 25741868, with internal and published modifications).